The following is an entry in ClinVar:

ClinVar aggregate classification (germline): Conflicting classifications of pathogenicity. Review status: criteria provided, conflicting classifications (1 of 4 stars). 3 submissions from 2 submitters: Likely pathogenic (1); Uncertain significance (2). Last evaluated 2025-09-24.

Conditions:
Paroxysmal nocturnal hemoglobinuria 1 (PNH1). Identifiers: Orphanet 447, MedGen C3806670, MONDO:0010438, OMIM 300818.
Multiple congenital anomalies-hypotonia-seizures syndrome 2 (MCAHS2). Also called: EPILEPTIC ENCEPHALOPATHY, EARLY INFANTILE, 20; GLYCOSYLPHOSPHATIDYLINOSITOL BIOSYNTHESIS DEFECT 4. Identifiers: Orphanet 300496, MedGen C3275508, MONDO:0010466, OMIM 300868.
Neurodevelopmental disorder with epilepsy and hemochromatosis (NEDEPH). Identifiers: MedGen CN307964, OMIM 301072.

Submissions (3):

Genesolutions, Medical Genetics Institutes, Ho Chi Minh City, Vietnam
Classification: Likely pathogenic for Multiple congenital anomalies-hypotonia-seizures syndrome 2. Last evaluated: 2025-09-24. Review status: criteria provided, single submitter. Criteria: ACMG Guidelines, 2015. Collection method: clinical testing. Allele origin: germline. Affected: yes.

Center for Genomics, Ann and Robert H. Lurie Children's Hospital of Chicago
Classification: Uncertain significance for Multiple congenital anomalies-hypotonia-seizures syndrome 2. Last evaluated: 2018-08-31. Review status: criteria provided, single submitter. Criteria: ACMG Guidelines, 2015. Collection method: clinical testing. Allele origin: germline.
Comment: PIGA NM_002641.3 exon 2 p.Leu83Pro (c.248T>C): This variant has not been reported in the literature and is not present in large control databases. Evolutionary conservation and computational predictive tools suggest that this variant may impact the protein. In summary, data on this variant is insufficient for disease classification. Therefore, the clinical significance of this variant is uncertain.

Center for Genomics, Ann and Robert H. Lurie Children's Hospital of Chicago
Classification: Uncertain significance for Paroxysmal nocturnal hemoglobinuria 1; Multiple congenital anomalies-hypotonia-seizures syndrome 2; Neurodevelopmental disorder with epilepsy and hemochromatosis. Review status: criteria provided, single submitter. Criteria: ACMG Guidelines, 2015. Collection method: clinical testing. Allele origin: germline.
Comment: the same text as in the submission from Center for Genomics, Ann and Robert H. Lurie Children's Hospital of Chicago above.

NM_002641.4(PIGA):c.248T>C (p.Leu83Pro)

Gene: PIGA (phosphatidylinositol glycan anchor biosynthesis class A; minus strand). Cytogenetic location: Xp22.2.
Variant type: single nucleotide variant.
Coding change: c.248T>C on transcript NM_002641.4 (MANE Select); coding-DNA position 248, T replaced by C.
Protein change: p.Leu83Pro; replaces leucine 83 with proline.
Molecular consequence: missense variant. On other transcripts: non-coding transcript variant (1), intron variant (1).
Genome position (GRCh38, 1-based): chrX:15,331,683, A>G on the plus strand (T>C on the coding strand, the complement: PIGA is on the minus strand). VCF-style: chrX-15331683-A-G. GRCh37 (hg19) VCF-style: chrX-15349805-A-G.
Other names: c.13+3818T>C (NM_020473.3); short protein forms L83P.
Identifiers: ClinVar variation 625990 (VCV000625990.4), dbSNP rs1569180063, ClinGen allele CA412340920.
Genomic context (GRCh38, chrX:15,331,683, plus strand): 5'-GCTGTAGACTGGTTGTACATGACTTTCAGAGGCAAGTAATAGACTTTGAGGCCACTGGTG[A>G]GGTAACGGATGCCTTTTCGATTTCCATAAGCATGGGTGACAATTATAACCTTATGCCCTC-3'
Protein context (NP_002632.1, residues 73-93): AYGNRKGIRY[Leu83Pro]TSGLKVYYLP